The following is an entry in ClinVar:

ClinVar aggregate classification (germline): Pathogenic. Review status: criteria provided, multiple submitters, no conflicts (2 of 4 stars). 3 submissions from 3 submitters: Pathogenic (2). 1 of the submissions does not count toward it. Last evaluated 2024-07-02.

Conditions:
Polycystic kidney disease, adult type (PKD1). Also called: POLYCYSTIC KIDNEY DISEASE 1 WITH OR WITHOUT POLYCYSTIC LIVER DISEASE; Polycystic Kidney Disease 1, Autosomal Dominant; Polycystic kidney disease 1; Polycystic kidney disease 1, severe; POLYCYSTIC KIDNEY DISEASE, ADULT, TYPE I; Polycystic Kidney, Autosomal Dominant. Identifiers: MedGen C3149841, MONDO:0008263, OMIM 173900.
Autosomal dominant polycystic kidney disease. Identifiers: Orphanet 730, MedGen C0085413, MONDO:0004691.

Submissions (3):

Institute of Human Genetics, Cologne University
Classification: Pathogenic for Polycystic kidney disease, adult type. Last evaluated: 2024-07-02. Review status: criteria provided, single submitter. Criteria: ACMG Guidelines, 2015. Collection method: clinical testing. Allele origin: germline. Affected: yes.

Juno Genomics, Hangzhou Juno Genomics, Inc
Classification: Pathogenic for Polycystic kidney disease, adult type. Review status: criteria provided, single submitter. Criteria: ACMG Guidelines, 2015. Collection method: clinical testing. Allele origin: germline. Affected: yes.
Comment: Absent from controls (or at extremely low frequency if recessive) in Genome Aggregation Database, Exome Sequencing Project, 1000 Genomes Project, or Exome Aggregation Consortium.;Null variant in a gene where loss of function (LOF) is a known mechanism of disease.;Patient's phenotype or family history is highly specific for a disease with a single genetic etiology.

Laboratory of Gastroenterology and Hepatology, Radboud University Medical Center
Classification: Pathogenic for Autosomal dominant polycystic kidney disease. Last evaluated: 2021-09-01. Review status: no assertion criteria provided. Collection method: research. Allele origin: germline. Affected: yes. Not counted in ClinVar's aggregate classification.

NM_001009944.3(PKD1):c.11270-1G>A

Genes: PKD1 (polycystin 1, transient receptor potential channel interacting; minus strand), PKD1-AS1 (PKD1 antisense RNA 1; plus strand). Cytogenetic location: 16p13.3.
Variant type: single nucleotide variant.
Coding change: c.11270-1G>A on transcript NM_001009944.3 (MANE Select); the canonical splice acceptor site of the intron before coding-DNA position 11270, G replaced by A.
Molecular consequence: splice acceptor variant.
Genome position (GRCh38, 1-based): chr16:2,092,189, C>T on the plus strand (G>A on the coding strand, the complement: PKD1 is on the minus strand). VCF-style: chr16-2092189-C-T. GRCh37 (hg19) VCF-style: chr16-2142190-C-T.
Other names: c.11267-1G>A (NM_000296.4).
Identifiers: ClinVar variation 1255683 (VCV001255683.4), dbSNP rs2151700092, ClinGen allele CA394335087.